The following is an entry in ClinVar:

ClinVar aggregate classification (germline): Uncertain significance (1 of 4 stars; one submission).

Conditions:
Arrhythmogenic right ventricular dysplasia 13. Also called: ARRHYTHMOGENIC RIGHT VENTRICULAR CARDIOMYOPATHY 13; Arrhythmogenic right ventricular dysplasia, familial, 13. Identifiers: MedGen C3810138, MONDO:0000908, OMIM 615616.

gnomAD v4.1: 2 of 1,606,494 alleles (0.00012%); highest among the groups gnomAD compares: African/African-American, 0.0013%; no homozygotes.

Submission:

Labcorp Genetics (formerly Invitae), Labcorp
Classification: Uncertain significance for Arrhythmogenic right ventricular dysplasia 13. Last evaluated: 2023-06-02. Review status: criteria provided, single submitter. Criteria: Invitae Variant Classification Sherloc (09022015). Collection method: clinical testing. Allele origin: germline.
Comment: In summary, the available evidence is currently insufficient to determine the role of this variant in disease. Therefore, it has been classified as a Variant of Uncertain Significance. Algorithms developed to predict the effect of sequence changes on RNA splicing suggest that this variant may disrupt the consensus splice site. This variant has not been reported in the literature in individuals affected with CTNNA3-related conditions. This variant is not present in population databases (gnomAD no frequency). This sequence change affects an acceptor splice site in intron 2 of the CTNNA3 gene. It is expected to disrupt RNA splicing. Variants that disrupt the donor or acceptor splice site typically lead to a loss of protein function (PMID: 16199547), however the current clinical and genetic evidence is not sufficient to establish whether loss-of-function variants in CTNNA3 cause disease.

Literature cited by the submitters: PubMed 16199547.

NM_013266.4(CTNNA3):c.100-1G>A

Gene: CTNNA3 (catenin alpha 3; minus strand). Cytogenetic location: 10q21.3.
Variant type: single nucleotide variant.
Coding change: c.100-1G>A on transcript NM_013266.4 (MANE Select); the canonical splice acceptor site of the intron before coding-DNA position 100, G replaced by A.
Molecular consequence: splice acceptor variant.
Genome position (GRCh38, 1-based): chr10:67,607,050, C>T on the plus strand (G>A on the coding strand, the complement: CTNNA3 is on the minus strand). VCF-style: chr10-67607050-C-T. GRCh37 (hg19) VCF-style: chr10-69366808-C-T.
Other names: c.100-1G>A (NM_001127384.3); c.136-1G>A (NM_001291133.2).
Identifiers: ClinVar variation 2915406 (VCV002915406.3), dbSNP rs1306045700, ClinGen allele CA377098474.
Genomic context (GRCh38, chr10:67,607,050, plus strand): 5'-TTTCGAACGTCCTTTTTTCCTGCTGGAAGGGTTCTGGGGACAGTTTACAAGTGTGGTAAC[C>T]TAAAATTGGAAAAATACAAAGTACTAAATTGACAAATTGTAAGGAGAACACAGTCCTGGG-3'